The following is an entry in ClinVar:

NM_001377.3(DYNC2H1):c.622-5_628del

Gene: DYNC2H1 (dynein cytoplasmic 2 heavy chain 1; plus strand). Cytogenetic location: 11q22.3.
Variant type: Deletion.
Coding change: c.622-5_628del on transcript NM_001377.3 (MANE Select); 5 bases into the intron before coding-DNA position 622 through coding-DNA position 628, 12 bases deleted (TCTAGGAGTTTT).
Molecular consequence: splice acceptor variant.
Genome position (GRCh38, 1-based): chr11:103,116,565-103,116,576, TCTAGGAGTTTT deleted; deleting any 12 consecutive bases within chr11:103,116,561-103,116,576 gives the same sequence; the c. name uses the placement nearest the transcript's 3' end. VCF-style (leftmost placement, unchanged base first): chr11-103116560-TTTTTTCTAGGAG-T. GRCh37 (hg19) VCF-style: chr11-102987289-TTTTTTCTAGGAG-T.
Other names: c.622-5_628del (NM_001080463.2).
Identifiers: ClinVar variation 5038010 (VCV005038010.2).

ClinVar aggregate classification (germline): Likely pathogenic (1 of 4 stars; one submission).

Conditions:
Asphyxiating thoracic dystrophy 3. Also called: POLYDACTYLY WITH NEONATAL CHONDRODYSTROPHY, TYPE I; SHORT-RIB THORACIC DYSPLASIA 3/6 WITH POLYDACTYLY, DIGENIC; SHORT-RIB THORACIC DYSPLASIA 3 WITH OR WITHOUT POLYDACTYLY; Saldino-Noonan Syndrome; Short rib polydactyly syndrome 2B. Identifiers: Orphanet 474, Orphanet 93269, Orphanet 93270, Orphanet 93271, MedGen C0036069, MONDO:0013127, OMIM 613091.

Submission:

Juno Genomics, Hangzhou Juno Genomics, Inc
Classification: Likely pathogenic for Asphyxiating thoracic dystrophy 3. Review status: criteria provided, single submitter. Criteria: ACMG Guidelines, 2015. Collection method: clinical testing. Allele origin: germline.
Comment: Null variant in a gene where loss of function (LOF) is a known mechanism of disease.;Absent from controls (or at extremely low frequency if recessive) in Genome Aggregation Database.